The following is an entry in ClinVar:

ClinVar aggregate classification (germline): Benign. Review status: criteria provided, single submitter (1 of 4 stars). 2 submissions from 2 submitters: Benign (1). 1 of the submissions does not count toward it. Last evaluated 2024-05-15.

Conditions:
KRT74-related disorder. Also called: KRT74-related condition.

Allele frequency attached by ClinVar (database versions not stated): gnomAD exomes 0.00008 and 0.00039; gnomAD 0.00026 and 0.00021; 1000 Genomes Project 30x 0.00141; TOPMed 0.00023; ExAC 0.00044; 1000 Genomes Project 0.00140.
gnomAD v4.1: 165 of 1,614,188 alleles (0.01%); highest among the groups gnomAD compares: East Asian, 0.25%; no homozygotes.

Submissions (2):

Labcorp Genetics (formerly Invitae), Labcorp
Classification: Benign. Last evaluated: 2024-05-15. Review status: criteria provided, single submitter. Criteria: Invitae Variant Classification Sherloc (09022015). Collection method: clinical testing. Allele origin: germline.

PreventionGenetics, part of Exact Sciences
Classification: Likely benign for KRT74-related condition. Last evaluated: 2019-12-13. Review status: no assertion criteria provided. Collection method: clinical testing. Allele origin: germline. Not counted in ClinVar's aggregate classification.
Comment: This variant is classified as likely benign based on ACMG/AMP sequence variant interpretation guidelines (Richards et al. 2015 PMID: 25741868, with internal and published modifications).

NM_175053.4(KRT74):c.411C>T (p.Arg137=)

Gene: KRT74 (keratin 74; minus strand). Cytogenetic location: 12q13.13.
Variant type: single nucleotide variant.
Coding change: c.411C>T on transcript NM_175053.4 (MANE Select); coding-DNA position 411, C replaced by T.
Protein change: p.Arg137=; no amino-acid change (arginine 137 retained).
Molecular consequence: synonymous variant.
Genome position (GRCh38, 1-based): chr12:52,573,367, G>A on the plus strand (C>T on the coding strand, the complement: KRT74 is on the minus strand). VCF-style: chr12-52573367-G-A. GRCh37 (hg19) VCF-style: chr12-52967151-G-A.
Identifiers: ClinVar variation 740841 (VCV000740841.11), dbSNP rs149972815, ClinGen allele CA6584116.
Genomic context (GRCh38, chr12:52,573,367, plus strand): 5'-CTTGTCAATGAAGGAGGCGAACTTGTCGTTCAGCACCTTGATCTGTTCCCGCTCCTGGGC[G>A]CGCACCTTCTGGATCTCAGGGTCCAGCTCCACGTTGAGGGGGGCCAAGAGGCTCTTGTTG-3'
Protein context (NP_778223.2, residues 127-147): VELDPEIQKV[Arg137=]AQEREQIKVL